The following is an entry in ClinVar:

ClinVar aggregate classification (germline): Uncertain significance (1 of 4 stars; one submission).

Conditions:
Arrhythmogenic right ventricular dysplasia 5. Also called: Arrhythmogenic Right Ventricular Dysplasia/Cardiomyopathy 5; ARRHYTHMOGENIC RIGHT VENTRICULAR DYSPLASIA, FAMILIAL, 5. Identifiers: MedGen C1858379, MONDO:0011459, OMIM 604400.

Submission:

All of Us Research Program, National Institutes of Health
Classification: Uncertain significance for Arrhythmogenic right ventricular dysplasia 5. Last evaluated: 2024-09-23. Review status: criteria provided, single submitter. Criteria: ACMG Guidelines, 2015. Collection method: clinical testing. Allele origin: germline. Inheritance: Autosomal dominant inheritance. Observed: 1 variant allele, 1 heterozygote.
Comment: This missense variant replaces glutamic acid with alanine at codon 400 of the TMEM43 protein. Computational prediction suggests that this variant may not impact protein structure and function (internally defined REVEL score threshold <= 0.5, PMID: 27666373). To our knowledge, functional studies have not been reported for this variant. This variant has not been reported in individuals affected with TMEM43-related disorders in the literature. This variant has not been identified in the general population by the Genome Aggregation Database (gnomAD). The available evidence is insufficient to determine the role of this variant in disease conclusively. Therefore, this variant is classified as a Variant of Uncertain Significance.

This study involves interpretation of variants in research participants for the purpose of population health screening. Participant phenotype was not available at the time of variant classification. Additional details can be found in publication PMID: 35346344, PMCID: PMC8962531

NM_024334.3(TMEM43):c.1199A>C (p.Glu400Ala)

Gene: TMEM43 (transmembrane protein 43; plus strand). Cytogenetic location: 3p25.1.
Variant type: single nucleotide variant.
Coding change: c.1199A>C on transcript NM_024334.3 (MANE Select); coding-DNA position 1199, A replaced by C.
Protein change: p.Glu400Ala; replaces glutamic acid 400 with alanine.
Molecular consequence: missense variant.
Genome position (GRCh38, 1-based): chr3:14,141,791, A>C. VCF-style: chr3-14141791-A-C. GRCh37 (hg19) VCF-style: chr3-14183291-A-C.
Other names: c.1202A>C, p.Glu401Ala (NM_001407274.1); c.1196A>C, p.Glu399Ala (NM_001407275.1, NM_001407276.1); c.1193A>C, p.Glu398Ala (NM_001407277.1); c.1184A>C, p.Glu395Ala (NM_001407278.1); c.1124A>C, p.Glu375Ala (NM_001407279.1); c.1049A>C, p.Glu350Ala (NM_001407280.1); short protein forms E350A, E375A, E395A, E398A, E399A, E400A, E401A.
Identifiers: ClinVar variation 3386093 (VCV003386093.1).